The following is an entry in ClinVar:

NM_015295.3(SMCHD1):c.5912T>G (p.Leu1971Trp)

Gene: SMCHD1 (structural maintenance of chromosomes flexible hinge domain containing 1; plus strand). Cytogenetic location: 18p11.32.
Variant type: single nucleotide variant.
Coding change: c.5912T>G on transcript NM_015295.3 (MANE Select); coding-DNA position 5912, T replaced by G.
Protein change: p.Leu1971Trp; replaces leucine 1971 with tryptophan.
Molecular consequence: missense variant.
Genome position (GRCh38, 1-based): chr18:2,796,440, T>G. VCF-style: chr18-2796440-T-G. GRCh37 (hg19) VCF-style: chr18-2796438-T-G.
Other names: short protein forms L1971W.
Identifiers: ClinVar variation 2705561 (VCV002705561.4), dbSNP rs2510181202, ClinGen allele CA401691583.

ClinVar aggregate classification (germline): Uncertain significance. Review status: criteria provided, multiple submitters, no conflicts (2 of 4 stars). 2 submissions from 2 submitters: Uncertain significance (2). Last evaluated 2024-01-03.

Conditions:
Arrhinia with choanal atresia and microphthalmia syndrome. Also called: Arhinia, choanal atresia, and microphthalmia; ARHINIA, CHOANAL ATRESIA, MICROPHTHALMIA, AND HYPOGONADOTROPIC HYPOGONADISM; Arrhinia-choanal atresia-microphthalmia syndrome. Identifiers: Orphanet 1135, Orphanet 2250, MedGen C1863878, MONDO:0011323, OMIM 603457.
Facioscapulohumeral muscular dystrophy 2 (FSHD2). Also called: MUSCULAR DYSTROPHY, FACIOSCAPULOHUMERAL, TYPE 1B; FACIOSCAPULOHUMERAL MUSCULAR DYSTROPHY 2, DIGENIC; FSHD2, DIGENIC. Identifiers: Orphanet 269, MedGen C1834671, MONDO:0008031, OMIM 158901.

Allele frequency attached by ClinVar (database versions not stated): gnomAD exomes below 0.00001.
gnomAD v4.1: 1 of 1,604,332 alleles (0.000062%); highest among the groups gnomAD compares: South Asian, 0.0011%; no homozygotes.

Submissions (2):

Labcorp Genetics (formerly Invitae), Labcorp
Classification: Uncertain significance for Facioscapulohumeral muscular dystrophy 2. Last evaluated: 2024-01-03. Review status: criteria provided, single submitter. Criteria: Invitae Variant Classification Sherloc (09022015). Collection method: clinical testing. Allele origin: germline.
Comment: This sequence change replaces leucine, which is neutral and non-polar, with tryptophan, which is neutral and slightly polar, at codon 1971 of the SMCHD1 protein (p.Leu1971Trp). This variant is not present in population databases (gnomAD no frequency). This variant has not been reported in the literature in individuals affected with SMCHD1-related conditions. An algorithm developed to predict the effect of missense changes on protein structure and function (PolyPhen-2) suggests that this variant is likely to be disruptive. In summary, the available evidence is currently insufficient to determine the role of this variant in disease. Therefore, it has been classified as a Variant of Uncertain Significance.

Neuberg Centre For Genomic Medicine, NCGM
Classification: Uncertain significance for Arrhinia with choanal atresia and microphthalmia syndrome. Review status: criteria provided, single submitter. Criteria: ACMG Guidelines, 2015. Collection method: clinical testing. Allele origin: germline. Inheritance: Autosomal dominant inheritance. Affected: yes.
Comment: The observed missense c.5912T>G p.Leu1971Trp variant in SMCHD1 gene has not been reported previously as a pathogenic variant nor as a benign variant, to our knowledge. The p.Leu1971Trp variant is absent in gnomAD Exomes. This variant has not been submitted to the ClinVar database. Multiple lines of computational evidence Polyphen - Possibly damaging, SIFT - Tolerated and Mutation Taster - Polymorphism predicts conflicting evidence on protein structure and function for this variant. The reference amino acid on SMCHD1 gene is predicted as conserved by GERP++ and PhyloP across 100 vertebrates. The amino acid Leu at position 1971 is changed to a Trp changing protein sequence and it might alter its composition and physico-chemical properties. For these reasons, this variant has been classified as Variant of Uncertain Significance VUS.